The following is an entry in ClinVar:

NM_001205293.3(CACNA1E):c.2210C>T (p.Pro737Leu)

Gene: CACNA1E (calcium voltage-gated channel subunit alpha1 E; plus strand). Cytogenetic location: 1q25.3.
Variant type: single nucleotide variant.
Coding change: c.2210C>T on transcript NM_001205293.3 (MANE Select); coding-DNA position 2210, C replaced by T.
Protein change: p.Pro737Leu; replaces proline 737 with leucine.
Molecular consequence: missense variant.
Genome position (GRCh38, 1-based): chr1:181,726,132, C>T. VCF-style: chr1-181726132-C-T. GRCh37 (hg19) VCF-style: chr1-181695268-C-T.
Other names: c.2210C>T, p.Pro737Leu (NM_000721.4, NM_001205294.2); short protein forms P737L.
Identifiers: ClinVar variation 2196678 (VCV002196678.4), dbSNP rs1415894919, ClinGen allele CA343628735.

ClinVar aggregate classification (germline): Uncertain significance (1 of 4 stars; one submission).

Allele frequency attached by ClinVar (database versions not stated): gnomAD exomes below 0.00001; gnomAD 0.00003; TOPMed 0.00003.
gnomAD v4.1: 9 of 1,612,680 alleles (0.00056%); highest among the groups gnomAD compares: African/African-American, 0.0067%; no homozygotes.

Submission:

Labcorp Genetics (formerly Invitae), Labcorp
Classification: Uncertain significance. Last evaluated: 2024-04-22. Review status: criteria provided, single submitter. Criteria: Invitae Variant Classification Sherloc (09022015). Collection method: clinical testing. Allele origin: germline.
Comment: This sequence change replaces proline, which is neutral and non-polar, with leucine, which is neutral and non-polar, at codon 737 of the CACNA1E protein (p.Pro737Leu). This variant is present in population databases (no rsID available, gnomAD 0.03%), and has an allele count higher than expected for a pathogenic variant. This variant has not been reported in the literature in individuals affected with CACNA1E-related conditions. ClinVar contains an entry for this variant (Variation ID: 2196678). Advanced modeling of protein sequence and biophysical properties (such as structural, functional, and spatial information, amino acid conservation, physicochemical variation, residue mobility, and thermodynamic stability) has been performed at Invitae for this missense variant, however the output from this modeling did not meet the statistical confidence thresholds required to predict the impact of this variant on CACNA1E protein function. In summary, the available evidence is currently insufficient to determine the role of this variant in disease. Therefore, it has been classified as a Variant of Uncertain Significance.